The following is an entry in ClinVar:

NM_000060.4:c.1081T>G

Variant type: single nucleotide variant.
Other names: c.1081T>G (NM_000060.4).
Identifiers: ClinVar variation 4815933 (VCV004815933.1).

ClinVar aggregate classification (germline): Likely pathogenic (1 of 4 stars; one submission).

Conditions:
Biotinidase deficiency. Also called: BTD deficiency; Late-onset biotin-responsive multiple carboxylase deficiency; Biotin deficiency. Identifiers: Orphanet 79241, MedGen C0220754, MONDO:0009665, OMIM 253260.

Submission:

Natera, Inc.
Classification: Likely pathogenic for Biotinidase deficiency. Last evaluated: 2025-09-12. Review status: criteria provided, single submitter. Criteria: Natera Variant Classification Schema (03/2026). Collection method: clinical testing. Allele origin: germline.
Comment: The c.1081T>G variant in BTD is a missense variant predicted to cause substitution of phenylalanine to valine at amino acid 361. This variant is rare in the general population with a frequency below the threshold expected for the associated phenotype(s). This variant has been observed in one or more individuals affected with the associated recessive disease, as either homozygous or compound heterozygous with a second variant (PMID: 30912303). This variant has been identified in one or more affected individual with a phenotype highly consistent with the associated gene (PMID: 30912303). Computational prediction algorithms indicate this variant is likely to affect gene or protein function. Given the available evidence, this variant is classified as Likely Pathogenic.

Literature cited by the submitters: PubMed 30912303.